The following is an entry in ClinVar:

ClinVar aggregate classification (germline): Likely benign. Review status: criteria provided, single submitter (1 of 4 stars). 2 submissions from 2 submitters: Likely benign (1). 1 of the submissions does not count toward it. Last evaluated 2025-06-01.

Conditions:
SEMA4D-related disorder. Also called: SEMA4D-related condition.

Allele frequency attached by ClinVar (database versions not stated): gnomAD exomes 0.00005; ExAC 0.00007; gnomAD 0.00007; TOPMed 0.00009.
gnomAD v4.1: 89 of 1,613,472 alleles (0.0055%); highest among the groups gnomAD compares: Middle Eastern, 0.26%; 1 homozygote.

Submissions (2):

CeGaT Center for Human Genetics Tuebingen
Classification: Likely benign. Last evaluated: 2025-06-01. Review status: criteria provided, single submitter. Criteria: CeGaT Center For Human Genetics Tuebingen Variant Classification Criteria Version 2. Collection method: clinical testing. Allele origin: germline. Affected: yes. Observed: 1 variant allele.
Comment: SEMA4D: BP4, BP7

PreventionGenetics, part of Exact Sciences
Classification: Likely benign for SEMA4D-related condition. Last evaluated: 2019-07-29. Review status: no assertion criteria provided. Collection method: clinical testing. Allele origin: germline. Not counted in ClinVar's aggregate classification.
Comment: This variant is classified as likely benign based on ACMG/AMP sequence variant interpretation guidelines (Richards et al. 2015 PMID: 25741868, with internal and published modifications).

NM_001371194.2(SEMA4D):c.1425C>T (p.Thr475=)

Gene: SEMA4D (semaphorin 4D; minus strand). Cytogenetic location: 9q22.2.
Variant type: single nucleotide variant.
Coding change: c.1425C>T on transcript NM_001371194.2 (MANE Select); coding-DNA position 1425, C replaced by T.
Protein change: p.Thr475=; no amino-acid change (threonine 475 retained).
Molecular consequence: synonymous variant. On other transcripts: non-coding transcript variant (6).
Genome position (GRCh38, 1-based): chr9:89,386,388, G>A on the plus strand (C>T on the coding strand, the complement: SEMA4D is on the minus strand). VCF-style: chr9-89386388-G-A. GRCh37 (hg19) VCF-style: chr9-92001303-G-A.
Other names: c.1425C>T, p.Thr475= (NM_001142287.2, NM_001371195.1, NM_001371196.1 and 7 more transcripts).
Identifiers: ClinVar variation 3034744 (VCV003034744.10), dbSNP rs150828049, ClinGen allele CA5118370.